The following is an entry in ClinVar:

GRCh37/hg19 17p12(chr17:14082945-15484858)x1

Genes: CDRT15 (CMT1A duplicated region transcript 15; minus strand), CDRT4 (CMT1A duplicated region transcript 4; minus strand), COX10 (cytochrome c oxidase assembly factor heme A:farnesyltransferase COX10; plus strand), HS3ST3B1 (heparan sulfate-glucosamine 3-sulfotransferase 3B1; plus strand), PMP22 (peripheral myelin protein 22; minus strand) and 3 more. Cytogenetic location: 17p12.
Variant type: copy number loss.
Change: copy number 1 (one copy instead of two) of chr17:14,082,945-15,484,858 (1.40 Mb, GRCh37 coordinates, 1-based), cytogenetic band 17p12.
Identifiers: ClinVar variation 1807816 (VCV001807816.1).

ClinVar aggregate classification (germline): Pathogenic (1 of 4 stars; one submission).

Submission:

Quest Diagnostics Nichols Institute San Juan Capistrano
Classification: Pathogenic. Last evaluated: 2021-11-29. Review status: criteria provided, single submitter. Criteria: ACMG/ClinGen CNV Guidelines, 2019. Collection method: clinical testing. Allele origin: unknown.
Comment: The copy number loss of 17p12 includes the PMP22 gene. This deletion is associated with hereditary neuropathy with liability to pressure palsies (HNPP), which is characterized by recurrent sensory and motor neuropathy in individual nerves starting in adolescence or young adulthood, and is characterized genetically by the deletion of the chromosome 17p11.2-p12 region, including the peripheral myelin protein-22 (PMP22) gene in the overwhelming majority of cases. HNPP may be frequently underdiagnosed or misdiagnosed owing to the heterogeneity of clinical and electrophysiological appearance (Attarian et al., Hereditary neuropathy with liability to pressure palsies. J Neurol. 2020 Aug;267(8):2198-2206. PMID: 30989370).